The following is an entry in ClinVar:

NM_003597.5(KLF11):c.1272C>G (p.Phe424Leu)

Gene: KLF11 (KLF transcription factor 11; plus strand). Cytogenetic location: 2p25.1.
Variant type: single nucleotide variant.
Coding change: c.1272C>G on transcript NM_003597.5 (MANE Select); coding-DNA position 1272, C replaced by G.
Protein change: p.Phe424Leu; replaces phenylalanine 424 with leucine.
Molecular consequence: missense variant.
Genome position (GRCh38, 1-based): chr2:10,052,240, C>G. VCF-style: chr2-10052240-C-G. GRCh37 (hg19) VCF-style: chr2-10192367-C-G.
Other names: c.1221C>G, p.Phe407Leu (NM_001177716.2, NM_001177718.2); short protein forms F424L, F407L.
Identifiers: ClinVar variation 3690456 (VCV003690456.2).

ClinVar aggregate classification (germline): Uncertain significance (1 of 4 stars; one submission).

Submission:

Labcorp Genetics (formerly Invitae), Labcorp
Classification: Uncertain significance. Last evaluated: 2024-02-24. Review status: criteria provided, single submitter. Criteria: Invitae Variant Classification Sherloc (09022015). Collection method: clinical testing. Allele origin: germline.
Comment: This sequence change replaces phenylalanine, which is neutral and non-polar, with leucine, which is neutral and non-polar, at codon 424 of the KLF11 protein (p.Phe424Leu). This variant is not present in population databases (gnomAD no frequency). This variant has not been reported in the literature in individuals affected with KLF11-related conditions. An algorithm developed to predict the effect of missense changes on protein structure and function (PolyPhen-2) suggests that this variant is likely to be disruptive. In summary, the available evidence is currently insufficient to determine the role of this variant in disease. Therefore, it has been classified as a Variant of Uncertain Significance.